The following is an entry in ClinVar:

NM_000038.6(APC):c.3586T>G (p.Ser1196Ala)

Gene: APC (APC regulator of Wnt signaling pathway; plus strand). Cytogenetic location: 5q22.2.
Variant type: single nucleotide variant.
Coding change: c.3586T>G on transcript NM_000038.6 (MANE Select); coding-DNA position 3586, T replaced by G.
Protein change: p.Ser1196Ala; replaces serine 1196 with alanine.
Molecular consequence: missense variant. On other transcripts: non-coding transcript variant (2).
Genome position (GRCh38, 1-based): chr5:112,839,180, T>G. VCF-style: chr5-112839180-T-G. GRCh37 (hg19) VCF-style: chr5-112174877-T-G.
Other names: c.3586T>G, p.Ser1196Ala (NM_001127510.3, NM_001354895.2, NM_001407450.1); c.3532T>G, p.Ser1178Ala (NM_001127511.3); c.3640T>G, p.Ser1214Ala (NM_001354896.2, NM_001407447.1, NM_001407448.1 and 1 more transcripts); c.3616T>G, p.Ser1206Ala (NM_001354897.2); c.3511T>G, p.Ser1171Ala (NM_001354898.2); c.3502T>G, p.Ser1168Ala (NM_001354899.2); c.3463T>G, p.Ser1155Ala (NM_001354900.2); c.3409T>G, p.Ser1137Ala (NM_001354901.2, NM_001407453.1); and 11 more; short protein forms S1095A, S1105A, S1113A, S1067A, S1137A, S1186A, S1196A, S1206A.
Identifiers: ClinVar variation 3304690 (VCV003304690.1).

ClinVar aggregate classification (germline): Uncertain significance (1 of 4 stars; one submission).

Conditions:
Hereditary cancer-predisposing syndrome. Also called: Tumor predisposition; Hereditary Cancer Syndrome; Hereditary neoplastic syndrome; Neoplastic Syndromes, Hereditary. Identifiers: Orphanet 140162, MedGen C0027672, MeSH D009386, MONDO:0015356.

Submission:

Ambry Genetics
Classification: Uncertain significance for Hereditary cancer-predisposing syndrome. Last evaluated: 2024-04-12. Review status: criteria provided, single submitter. Criteria: Ambry Variant Classification Scheme 2023. Collection method: clinical testing. Allele origin: germline.
Comment: The p.S1196A variant (also known as c.3586T>G), located in coding exon 15 of the APC gene, results from a T to G substitution at nucleotide position 3586. The serine at codon 1196 is replaced by alanine, an amino acid with similar properties. This amino acid position is conserved. In addition, in silico predictors for this gene do not accurately predict pathogenicity. Based on the available evidence, the clinical significance of this variant remains unclear.